The following is an entry in ClinVar:

ClinVar aggregate classification (germline): Uncertain significance. Review status: criteria provided, multiple submitters, no conflicts (2 of 4 stars). 2 submissions from 2 submitters: Uncertain significance (2). Last evaluated 2025-10-14.

Conditions:
Hereditary cancer-predisposing syndrome. Also called: Tumor predisposition; Hereditary Cancer Syndrome; Neoplastic Syndromes, Hereditary; Hereditary neoplastic syndrome. Identifiers: Orphanet 140162, MedGen C0027672, MeSH D009386, MONDO:0015356.
Neuroblastoma, susceptibility to, 3. Also called: ALK-Related Neuroblastic Tumor Susceptibility. Identifiers: Orphanet 635, MedGen C2751681, MONDO:0013083, OMIM 613014.

Allele frequency attached by ClinVar (database versions not stated): gnomAD exomes below 0.00001; gnomAD 0.00002; TOPMed 0.00003.
gnomAD v4.1: 5 of 1,614,004 alleles (0.00031%); highest among the groups gnomAD compares: African/African-American, 0.0053%; no homozygotes.

Submissions (2):

Labcorp Genetics (formerly Invitae), Labcorp
Classification: Uncertain significance for Neuroblastoma, susceptibility to, 3. Last evaluated: 2025-10-14. Review status: criteria provided, single submitter. Criteria: Invitae Variant Classification Sherloc (09022015). Collection method: clinical testing. Allele origin: germline.
Comment: This sequence change replaces asparagine, which is neutral and polar, with serine, which is neutral and polar, at codon 659 of the ALK protein (p.Asn659Ser). The frequency data for this variant in the population databases is considered unreliable, as metrics indicate poor data quality at this position in the gnomAD database. This variant has not been reported in the literature in individuals affected with ALK-related conditions. ClinVar contains an entry for this variant (Variation ID: 862188). An algorithm developed to predict the effect of missense changes on protein structure and function outputs the following: PolyPhen-2: "Benign". The serine amino acid residue is found in multiple mammalian species, which suggests that this missense change does not adversely affect protein function. In summary, the available evidence is currently insufficient to determine the role of this variant in disease. Therefore, it has been classified as a Variant of Uncertain Significance.

Ambry Genetics
Classification: Uncertain significance for Hereditary cancer-predisposing syndrome. Last evaluated: 2024-11-14. Review status: criteria provided, single submitter. Criteria: Ambry Variant Classification Scheme 2023. Collection method: clinical testing. Allele origin: germline.
Comment: The p.N659S variant (also known as c.1976A>G), located in coding exon 11 of the ALK gene, results from an A to G substitution at nucleotide position 1976. The asparagine at codon 659 is replaced by serine, an amino acid with highly similar properties. This amino acid position is conserved. In addition, this alteration is predicted to be tolerated by in silico analysis. Since supporting evidence is limited at this time, the clinical significance of this alteration remains unclear.

NM_004304.5(ALK):c.1976A>G (p.Asn659Ser)

Gene: ALK (ALK receptor tyrosine kinase; minus strand). Cytogenetic location: 2p23.2.
Variant type: single nucleotide variant.
Coding change: c.1976A>G on transcript NM_004304.5 (MANE Select); coding-DNA position 1976, A replaced by G.
Protein change: p.Asn659Ser; replaces asparagine 659 with serine.
Molecular consequence: missense variant.
Genome position (GRCh38, 1-based): chr2:29,275,164, T>C on the plus strand (A>G on the coding strand, the complement: ALK is on the minus strand). VCF-style: chr2-29275164-T-C. GRCh37 (hg19) VCF-style: chr2-29498030-T-C.
Other names: short protein forms N659S.
Identifiers: ClinVar variation 862188 (VCV000862188.14), dbSNP rs980989671, ClinGen allele CA44665475.
Genomic context (GRCh38, chr2:29,275,164, plus strand): 5'-GGGTCAAAGATGGGGGTCTGTCTTGGTGAATTTTCCCCGGGTTTCAGCTCCTTGTTTGGG[T>C]TTCTCTCAAACAGGTTTCTTGATTTGGGTGCTGTATTCTGCAGGATCTTGTCCTCTCCGC-3'
Protein context (NP_004295.2, residues 649-669): APKSRNLFER[Asn659Ser]PNKELKPGEN